The following is an entry in ClinVar:

NM_016239.4(MYO15A):c.393C>G (p.Ser131=)

Gene: MYO15A (myosin XVA; plus strand). Cytogenetic location: 17p11.2.
Variant type: single nucleotide variant.
Coding change: c.393C>G on transcript NM_016239.4 (MANE Select); coding-DNA position 393, C replaced by G.
Protein change: p.Ser131=; no amino-acid change (serine 131 retained).
Molecular consequence: synonymous variant.
Genome position (GRCh38, 1-based): chr17:18,119,193, C>G. VCF-style: chr17-18119193-C-G. GRCh37 (hg19) VCF-style: chr17-18022507-C-G.
Identifiers: ClinVar variation 719301 (VCV000719301.12), dbSNP rs750022100, ClinGen allele CA8422829.

ClinVar aggregate classification (germline): Conflicting classifications of pathogenicity. Review status: criteria provided, conflicting classifications (1 of 4 stars). 4 submissions from 4 submitters: Uncertain significance (1); Benign (1); Likely benign (2). Last evaluated 2025-06-06.

Conditions:
Autosomal recessive nonsyndromic hearing loss 3. Also called: NEUROSENSORY NONSYNDROMIC RECESSIVE DEAFNESS 3. Identifiers: Orphanet 90636, MedGen C1838263, MONDO:0010860, OMIM 600316.
MYO15A-related disorder. Also called: MYO15A-related condition.

Allele frequency attached by ClinVar (database versions not stated): TOPMed 0.00004; gnomAD exomes 0.00024 and 0.00054; gnomAD 0.00048 and 0.00050; ExAC 0.00052.
gnomAD v4.1: 426 of 1,612,402 alleles (0.026%); highest among the groups gnomAD compares: Middle Eastern, 0.016%; 1 homozygote.

Submissions (4):

PreventionGenetics, part of Exact Sciences
Classification: Likely benign for MYO15A-related condition. Last evaluated: 2025-06-06. Review status: criteria provided, single submitter. Criteria: ACMG Guidelines, 2015. Collection method: clinical testing. Allele origin: germline.
Comment: This variant is classified as likely benign based on ACMG/AMP sequence variant interpretation guidelines (Richards et al. 2015 PMID: 25741868, with internal and published modifications).

Blueprint Genetics
Classification: Likely benign. Last evaluated: 2024-03-28. Review status: criteria provided, single submitter. Criteria: ACMG Guidelines, 2015. Collection method: clinical testing. Allele origin: germline.

Labcorp Genetics (formerly Invitae), Labcorp
Classification: Benign. Last evaluated: 2023-12-30. Review status: criteria provided, single submitter. Criteria: Invitae Variant Classification Sherloc (09022015). Collection method: clinical testing. Allele origin: germline.

Illumina Laboratory Services, Illumina
Classification: Uncertain significance for Autosomal recessive nonsyndromic hearing loss 3. Last evaluated: 2018-01-13. Review status: criteria provided, single submitter. Criteria: ICSL Variant Classification Criteria 13 December 2019. Collection method: clinical testing. Allele origin: germline.